The following is an entry in ClinVar:

NM_006031.6(PCNT):c.9993C>T (p.His3331=)

Gene: PCNT (pericentrin; plus strand). Cytogenetic location: 21q22.3.
Variant type: single nucleotide variant.
Coding change: c.9993C>T on transcript NM_006031.6 (MANE Select); coding-DNA position 9993, C replaced by T.
Protein change: p.His3331=; no amino-acid change (histidine 3331 retained).
Molecular consequence: synonymous variant.
Genome position (GRCh38, 1-based): chr21:46,445,309, C>T. VCF-style: chr21-46445309-C-T. GRCh37 (hg19) VCF-style: chr21-47865222-C-T.
Other names: c.9402C>T, p.His3134= (NM_001315529.2); c.9993C>T (NM_006031.5).
Identifiers: ClinVar variation 2815903 (VCV002815903.4), dbSNP rs2519184103, ClinGen allele CA512756728.
Genomic context (GRCh38, chr21:46,445,309, plus strand): 5'-AACCAATTTGCTGCCTCATTTTTATTTATATGCAGATTCTACTTCAAAGAAATCCTGCCA[C>T]CCGATGATTAAACAGTGAATAAAATGTCATGGCTCTTTCCTGCGACAATTCTATTTGAGG-3'
Protein context (NP_006022.3, residues 3321-3336): LPDSTSKKSC[His3331=]PMIKQ

ClinVar aggregate classification (germline): Likely benign. Review status: criteria provided, multiple submitters, no conflicts (2 of 4 stars). 2 submissions from 2 submitters: Likely benign (2). Last evaluated 2025-01-23.

Conditions:
PCNT-related disorder. Also called: PCNT-related condition.

Submissions (2):

PreventionGenetics, part of Exact Sciences
Classification: Likely benign for PCNT-related condition. Last evaluated: 2025-01-23. Review status: criteria provided, single submitter. Criteria: ACMG Guidelines, 2015. Collection method: clinical testing. Allele origin: germline.
Comment: This variant is classified as likely benign based on ACMG/AMP sequence variant interpretation guidelines (Richards et al. 2015 PMID: 25741868, with internal and published modifications).

Labcorp Genetics (formerly Invitae), Labcorp
Classification: Likely benign. Last evaluated: 2022-11-23. Review status: criteria provided, single submitter. Criteria: Invitae Variant Classification Sherloc (09022015). Collection method: clinical testing. Allele origin: germline.